The following is an entry in ClinVar:

NM_018706.7(DHTKD1):c.508A>C (p.Met170Leu)

Gene: DHTKD1 (dehydrogenase E1 and transketolase domain containing 1; plus strand). Cytogenetic location: 10p14.
Variant type: single nucleotide variant.
Coding change: c.508A>C on transcript NM_018706.7 (MANE Select); coding-DNA position 508, A replaced by C.
Protein change: p.Met170Leu; replaces methionine 170 with leucine.
Molecular consequence: missense variant.
Genome position (GRCh38, 1-based): chr10:12,084,737, A>C. VCF-style: chr10-12084737-A-C. GRCh37 (hg19) VCF-style: chr10-12126736-A-C.
Other names: short protein forms M170L.
Identifiers: ClinVar variation 1523842 (VCV001523842.6), dbSNP rs369465951, ClinGen allele CA5407550.

ClinVar aggregate classification (germline): Uncertain significance (1 of 4 stars; one submission).

Conditions:
2-aminoadipic 2-oxoadipic aciduria (AAKAD). Also called: Aminoadipic aciduria; ALPHA-AMINOADIPIC AND ALPHA-KETOADIPIC ACIDURIA. Identifiers: Orphanet 79154, MedGen C1859817, MONDO:0008774, OMIM 204750.

Allele frequency attached by ClinVar (database versions not stated): gnomAD exomes 0.00001 and 0.00002; ExAC 0.00002; gnomAD 0.00003; TOPMed 0.00003; ESP Exome Variant Server 0.00008.

Submission:

Labcorp Genetics (formerly Invitae), Labcorp
Classification: Uncertain significance for 2-aminoadipic 2-oxoadipic aciduria. Last evaluated: 2024-05-28. Review status: criteria provided, single submitter. Criteria: Invitae Variant Classification Sherloc (09022015). Collection method: clinical testing. Allele origin: germline.
Comment: This sequence change replaces methionine, which is neutral and non-polar, with leucine, which is neutral and non-polar, at codon 170 of the DHTKD1 protein (p.Met170Leu). This variant is present in population databases (rs369465951, gnomAD 0.006%). This variant has not been reported in the literature in individuals affected with DHTKD1-related conditions. ClinVar contains an entry for this variant (Variation ID: 1523842). Algorithms developed to predict the effect of missense changes on protein structure and function output the following: SIFT: "Not Available"; PolyPhen-2: "Benign"; Align-GVGD: "Not Available". The leucine amino acid residue is found in multiple mammalian species, which suggests that this missense change does not adversely affect protein function. In summary, the available evidence is currently insufficient to determine the role of this variant in disease. Therefore, it has been classified as a Variant of Uncertain Significance.